The following is an entry in ClinVar:

ClinVar aggregate classification (germline): Uncertain significance (1 of 4 stars; one submission).

Conditions:
Inborn genetic diseases. Identifiers: MedGen C0950123, MeSH D030342.

gnomAD v4.1: 4 of 1,606,498 alleles (0.00025%); highest among the groups gnomAD compares: East Asian, 0.0022%; no homozygotes.

Submission:

Ambry Genetics
Classification: Uncertain significance for Inborn genetic diseases. Last evaluated: 2026-03-02. Review status: criteria provided, single submitter. Criteria: Ambry Variant Classification Scheme 2023. Collection method: clinical testing. Allele origin: germline.
Comment: The p.T1249I variant (also known as c.3746C>T), located in coding exon 14 of the FANCM gene, results from a C to T substitution at nucleotide position 3746. The threonine at codon 1249 is replaced by isoleucine, an amino acid with similar properties. This amino acid position is conserved. In addition, this alteration is predicted to be tolerated by in silico analysis. Based on the available evidence, the clinical significance of this variant remains unclear.

NM_020937.4(FANCM):c.3746C>T (p.Thr1249Ile)

Gene: FANCM (FA complementation group M; plus strand). Cytogenetic location: 14q21.2.
Variant type: single nucleotide variant.
Coding change: c.3746C>T on transcript NM_020937.4 (MANE Select); coding-DNA position 3746, C replaced by T.
Protein change: p.Thr1249Ile; replaces threonine 1249 with isoleucine.
Molecular consequence: missense variant.
Genome position (GRCh38, 1-based): chr14:45,176,500, C>T. VCF-style: chr14-45176500-C-T. GRCh37 (hg19) VCF-style: chr14-45645703-C-T.
Other names: c.3668C>T, p.Thr1223Ile (NM_001308133.2); short protein forms T1223I, T1249I.
Identifiers: ClinVar variation 4826011 (VCV004826011.1).
Genomic context (GRCh38, chr14:45,176,500, plus strand): 5'-CTGTTACCTTTGATTTAGGATTCTGTAGTCCAGATTCTGATGATGAAATATTGGAACATA[C>T]ATCAGATAGCAATAGACCTCTAGATGATCTATATGGAAGGTATTTGGAAATTAAGGAGAT-3'
Protein context (NP_065988.1, residues 1239-1259): PDSDDEILEH[Thr1249Ile]SDSNRPLDDL